The following is an entry in ClinVar:

ClinVar aggregate classification (germline): Benign. Review status: criteria provided, multiple submitters, no conflicts (2 of 4 stars). 4 submissions from 4 submitters: Benign (4). Last evaluated 2026-02-01.

Conditions:
Age related macular degeneration 1 (ARMD1). Also called: MACULOPATHY, AGE-RELATED, 1. Identifiers: MedGen C1864205, MONDO:0011285, OMIM 603075.

Allele frequency attached by ClinVar (database versions not stated): ExAC 0.00606; gnomAD 0.01584 and 0.01714; gnomAD exomes 0.00544 and 0.00244; 1000 Genomes Project 0.01198; TOPMed 0.01830; 1000 Genomes Project 30x 0.01234; ESP Exome Variant Server 0.01638.
gnomAD v4.1: 6,126 of 1,613,930 alleles (0.38%); highest among the groups gnomAD compares: African/African-American, 5.2%; 128 homozygotes.

Submissions (4):

Labcorp Genetics (formerly Invitae), Labcorp
Classification: Benign. Last evaluated: 2026-02-01. Review status: criteria provided, single submitter. Criteria: Invitae Variant Classification Sherloc (09022015). Collection method: clinical testing. Allele origin: germline.

Genome-Nilou Lab
Classification: Benign for Age related macular degeneration 1. Last evaluated: 2023-04-11. Review status: criteria provided, single submitter. Criteria: ACMG Guidelines, 2015. Collection method: clinical testing. Allele origin: germline. Affected: no.

Illumina Laboratory Services, Illumina
Classification: Benign for Age related macular degeneration 1. Last evaluated: 2018-01-12. Review status: criteria provided, single submitter. Criteria: ICSL Variant Classification Criteria 13 December 2019. Collection method: clinical testing. Allele origin: germline.
Comment: This variant was observed in the ICSL laboratory as part of a predisposition screen in an ostensibly healthy population. It had not been previously curated by ICSL or reported in the Human Gene Mutation Database (HGMD: prior to June 1st, 2018), and was therefore a candidate for classification through an automated scoring system. Utilizing variant allele frequency, disease prevalence and penetrance estimates, and inheritance mode, an automated score was calculated to assess if this variant is too frequent to cause the disease. Based on the score and internal cut-off values, a variant classified as benign is not then subjected to further curation. The score for this variant resulted in a classification of benign for this disease.

Breakthrough Genomics
Classification: Benign. Review status: criteria provided, single submitter. Criteria: ACMG Guidelines, 2015. Collection method: not provided. Allele origin: germline. Inheritance: Autosomal dominant inheritance. Affected: yes.

NM_031935.3(HMCN1):c.57C>T (p.Ser19=)

Gene: HMCN1 (hemicentin 1; plus strand). Cytogenetic location: 1q25.3.
Variant type: single nucleotide variant.
Coding change: c.57C>T on transcript NM_031935.3 (MANE Select); coding-DNA position 57, C replaced by T.
Protein change: p.Ser19=; no amino-acid change (serine 19 retained).
Molecular consequence: synonymous variant.
Genome position (GRCh38, 1-based): chr1:185,734,836, C>T. VCF-style: chr1-185734836-C-T. GRCh37 (hg19) VCF-style: chr1-185703968-C-T.
Identifiers: ClinVar variation 294095 (VCV000294095.16), dbSNP rs114170176, ClinGen allele CA1290735.